The following is an entry in ClinVar:

ClinVar aggregate classification (germline): Pathogenic (1 of 4 stars; one submission).

Conditions:
X-linked agammaglobulinemia (XLA). Also called: Agammaglobulinemia, Bruton tyrosine kinase; Agammaglobulinemia, BTK; BTK-deficiency; Bruton's agammaglobulinemia; IMMUNODEFICIENCY 1; Bruton-type agammaglobulinemia. Identifiers: Orphanet 229717, Orphanet 47, MedGen C0221026, MONDO:0010421, OMIM 300755.

Submission:

Women's Health and Genetics/Laboratory Corporation of America, LabCorp
Classification: Pathogenic for X-linked Agammaglobulinemia. Last evaluated: 2011-08-18. Review status: criteria provided, single submitter. Criteria: LabCorp Variant Classification Summary - May 2015. Collection method: curation, clinical testing. Allele origin: germline. Inheritance: Xlinked recessive. Affected: yes. Observed: 1 variant allele.
ClinVar note: Converted during submission from pathogenic to Pathogenic.

Literature cited by the submitters: PubMed 12405164; PubMed 11809909.

NM_000061.3(BTK):c.1455C>A (p.Tyr485Ter)

Gene: BTK (Bruton tyrosine kinase; minus strand). Cytogenetic location: Xq22.1.
Variant type: single nucleotide variant.
Coding change: c.1455C>A on transcript NM_000061.3 (MANE Select); coding-DNA position 1455, C replaced by A.
Protein change: p.Tyr485Ter; replaces tyrosine 485 with a stop codon.
Molecular consequence: nonsense. On other transcripts: intron variant (1).
Genome position (GRCh38, 1-based): chrX:101,356,163, G>T on the plus strand (C>A on the coding strand, the complement: BTK is on the minus strand). VCF-style: chrX-101356163-G-T. GRCh37 (hg19) VCF-style: chrX-100611151-G-T.
Other names: c.1557C>A, p.Tyr519Ter (NM_001287344.2); c.1039-1469C>A (NM_001287345.2); short protein forms Y485*, Y519*.
Identifiers: ClinVar variation 35757 (VCV000035757.3), dbSNP rs193922124, ClinGen allele CA260186.
Genomic context (GRCh38, chrX:101,356,163, plus strand): 5'-GACATCCTTGCACATCTCTAGCAGCTGCTGAGTCTGGAAGCGGTGGCGCATCTCCCTCAG[G>T]TAGTTCAGGAGGCAGCCATTGGCCATGTACTCAGTGATGATGAAGATGGGGCGCTGCTTG-3'